The following is an entry in ClinVar:

NM_198514.4(NHLRC2):c.2046C>T (p.Val682=)

Gene: NHLRC2 (NHL repeat containing 2; plus strand). Cytogenetic location: 10q25.3.
Variant type: single nucleotide variant.
Coding change: c.2046C>T on transcript NM_198514.4 (MANE Select); coding-DNA position 2046, C replaced by T.
Protein change: p.Val682=; no amino-acid change (valine 682 retained).
Molecular consequence: synonymous variant.
Genome position (GRCh38, 1-based): chr10:113,908,401, C>T. VCF-style: chr10-113908401-C-T. GRCh37 (hg19) VCF-style: chr10-115668160-C-T.
Identifiers: ClinVar variation 2640858 (VCV002640858.24), dbSNP rs149529808, ClinGen allele CA5698159.

ClinVar aggregate classification (germline): Likely benign (1 of 4 stars; one submission).

Allele frequency attached by ClinVar (database versions not stated): gnomAD exomes 0.00007; ExAC 0.00013; gnomAD 0.00030; TOPMed 0.00035; ESP Exome Variant Server 0.00046; 1000 Genomes Project 0.00120; 1000 Genomes Project 30x 0.00125.
gnomAD v4.1: 150 of 1,614,090 alleles (0.0093%); highest among the groups gnomAD compares: African/African-American, 0.11%; no homozygotes.

Submission:

CeGaT Center for Human Genetics Tuebingen
Classification: Likely benign. Last evaluated: 2023-05-01. Review status: criteria provided, single submitter. Criteria: CeGaT Center For Human Genetics Tuebingen Variant Classification Criteria Version 2. Collection method: clinical testing. Allele origin: germline. Affected: yes. Observed: 1 variant allele.
Comment: NHLRC2: BP4, BP7